The following is an entry in ClinVar:

ClinVar aggregate classification (germline): Pathogenic/Likely pathogenic. Review status: criteria provided, multiple submitters, no conflicts (2 of 4 stars). 4 submissions from 4 submitters: Pathogenic (2); Likely pathogenic (1). 1 of the submissions does not count toward it. Last evaluated 2025-12-29.

Conditions:
Primary ciliary dyskinesia 3. Identifiers: Orphanet 244, MedGen C1837618, MONDO:0012085, OMIM 608644.
Primary ciliary dyskinesia. Also called: Ciliary dyskinesia. Identifiers: Orphanet 244, MedGen C0008780, MONDO:0016575, HP:0012265.

Allele frequency attached by ClinVar (database versions not stated): gnomAD exomes below 0.00001.

Submissions (4):

Labcorp Genetics (formerly Invitae), Labcorp
Classification: Pathogenic for Primary ciliary dyskinesia. Last evaluated: 2025-12-29. Review status: criteria provided, single submitter. Criteria: Invitae Variant Classification Sherloc (09022015). Collection method: clinical testing. Allele origin: germline.
Comment: This sequence change creates a premature translational stop signal (p.Ile2115*) in the DNAH5 gene. It is expected to result in an absent or disrupted protein product. Loss-of-function variants in DNAH5 are known to be pathogenic (PMID: 11788826, 16627867). This variant is present in population databases (no rsID available, gnomAD 0.0009%). This premature translational stop signal has been observed in individual(s) with primary ciliary dyskinesia (PMID: 25186273; internal data). ClinVar contains an entry for this variant (Variation ID: 454791). For these reasons, this variant has been classified as Pathogenic.

Variantyx, Inc.
Classification: Likely pathogenic for Primary ciliary dyskinesia 3. Last evaluated: 2025-06-04. Review status: criteria provided, single submitter. Criteria: Variantyx Assertion Criteria 2022. Collection method: clinical testing. Allele origin: germline. Inheritance: Autosomal recessive inheritance. Affected: no.
Comment: This is a frameshift variant in the DNAH5 gene (OMIM: 603335). Pathogenic variants in this gene have been associated with autosomal recessive primary ciliary dyskinesia 3. This variant introduces a premature termination codon in exon 38 out of 79 and is expected to result in loss of function, which is a known disease mechanism for DNAH5 in this disorder (PMID: 11788826, 16627867) (PVS1). This variant has a 0.0006% maximum allele frequency in non-founder control populations (PM2). Based on the current evidence, this variant is classified as likely pathogenic for autosomal recessive primary ciliary dyskinesia 3.

Ambry Genetics
Classification: Pathogenic for Primary ciliary dyskinesia. Last evaluated: 2017-09-12. Review status: criteria provided, single submitter. Criteria: Ambry Variant Classification Scheme 2023. Collection method: clinical testing. Allele origin: germline.
Comment: The c.6343delA pathogenic mutation, located in coding exon 38 of the DNAH5 gene, results from a deletion of one nucleotide at nucleotide position 6343, causing a translational frameshift with a predicted alternate stop codon (p.I2115*). This mutation was identified in an individual with primary ciliary dyskinesia in conjunction with a frameshift alteration; however, the phase of the alterations was not provided (Raidt J et al. Eur. Respir. J., 2014 Dec;44:1579-88). In addition to the clinical data presented in the literature, this alteration is expected to result in loss of function by premature protein truncation or nonsense-mediated mRNA decay. As such, this alteration is interpreted as a disease-causing mutation.

Natera, Inc.
Classification: Pathogenic for Primary ciliary dyskinesia. Last evaluated: 2021-04-01. Review status: no assertion criteria provided. Collection method: clinical testing. Allele origin: germline. Not counted in ClinVar's aggregate classification.

Literature cited by the submitters: PubMed 11788826 (cited by Labcorp Genetics (formerly Invitae), Labcorp and Variantyx, Inc.); PubMed 16627867 (cited by Labcorp Genetics (formerly Invitae), Labcorp and Variantyx, Inc.); PubMed 25186273 (cited by Labcorp Genetics (formerly Invitae), Labcorp and Ambry Genetics).

NM_001369.3(DNAH5):c.6343del (p.Ile2114_Ile2115insTer)

Gene: DNAH5 (dynein axonemal heavy chain 5; minus strand). Cytogenetic location: 5p15.2.
Variant type: Deletion.
Coding change: c.6343del on transcript NM_001369.3 (MANE Select); coding-DNA position 6343, one base deleted (A; older notation c.6343delA).
Protein change: p.Ile2114_Ile2115insTer.
Molecular consequence: nonsense.
Genome position (GRCh38, 1-based): chr5:13,829,611, T deleted on the plus strand (A on the coding strand, the reverse complement: DNAH5 is on the minus strand). VCF-style (leftmost placement, unchanged base first): chr5-13829610-AT-A. GRCh37 (hg19) VCF-style: chr5-13829719-AT-A.
Other names: c.6343delA (NM_001369.2).
Identifiers: ClinVar variation 454791 (VCV000454791.17), dbSNP rs1474945018, ClinGen allele CA557876803.